The following is an entry in ClinVar:

NM_001127178.3(PIGG):c.2880G>A (p.Met960Ile)

Gene: PIGG (phosphatidylinositol glycan anchor biosynthesis class G (EMM blood group); plus strand). Cytogenetic location: 4p16.3.
Variant type: single nucleotide variant.
Coding change: c.2880G>A on transcript NM_001127178.3 (MANE Select); coding-DNA position 2880, G replaced by A.
Protein change: p.Met960Ile; replaces methionine 960 with isoleucine.
Molecular consequence: missense variant. On other transcripts: non-coding transcript variant (10).
Genome position (GRCh38, 1-based): chr4:539,297, G>A. VCF-style: chr4-539297-G-A. GRCh37 (hg19) VCF-style: chr4-533086-G-A.
Other names: c.2613G>A, p.Met871Ile (NM_001289051.2, NM_001345986.2); c.2481G>A, p.Met827Ile (NM_001289052.2); c.2589G>A, p.Met863Ile (NM_001345987.2); c.1851G>A, p.Met617Ile (NM_001345988.2); c.1347G>A, p.Met449Ile (NM_001345990.2, NM_001345991.2); c.1782G>A, p.Met594Ile (NM_001345994.2); c.2856G>A, p.Met952Ile (NM_017733.5); short protein forms M449I, M952I, M594I, M827I, M960I, M617I, M863I, M871I.
Identifiers: ClinVar variation 1365333 (VCV001365333.8), dbSNP rs1320342687, ClinGen allele CA355914751.
Genomic context (GRCh38, chr4:539,297, plus strand): 5'-TCTGCGTTATCATTTATTTATATGGAGTGTATTTTCTCCAAAACTTCTCTACGAGGGAAT[G>A]CACCTGCTCATTACAGCTGCTGTCTGTGTATTCTTCACGGCAATGGATCAAACCAGACTC-3'
Protein context (NP_001120650.1, residues 950-970): VFSPKLLYEG[Met960Ile]HLLITAAVCV

ClinVar aggregate classification (germline): Uncertain significance (1 of 4 stars; one submission).

Conditions:
Intellectual disability, autosomal recessive 53 (NEDHSCA). Also called: GLYCOSYLPHOSPHATIDYLINOSITOL BIOSYNTHESIS DEFECT 13; Mental retardation, autosomal recessive 53; NEURODEVELOPMENTAL DISORDER WITH OR WITHOUT HYPOTONIA, SEIZURES, AND CEREBELLAR ATROPHY. Identifiers: Orphanet 488635, MedGen C4310794, MONDO:0014832, OMIM 616917.

Submission:

Labcorp Genetics (formerly Invitae), Labcorp
Classification: Uncertain significance for Intellectual disability, autosomal recessive 53. Last evaluated: 2024-09-06. Review status: criteria provided, single submitter. Criteria: Invitae Variant Classification Sherloc (09022015). Collection method: clinical testing. Allele origin: germline.
Comment: This sequence change replaces methionine, which is neutral and non-polar, with isoleucine, which is neutral and non-polar, at codon 960 of the PIGG protein (p.Met960Ile). This variant is not present in population databases (gnomAD no frequency). This variant has not been reported in the literature in individuals affected with PIGG-related conditions. ClinVar contains an entry for this variant (Variation ID: 1365333). Invitae Evidence Modeling of protein sequence and biophysical properties (such as structural, functional, and spatial information, amino acid conservation, physicochemical variation, residue mobility, and thermodynamic stability) indicates that this missense variant is not expected to disrupt PIGG protein function with a negative predictive value of 80%. In summary, the available evidence is currently insufficient to determine the role of this variant in disease. Therefore, it has been classified as a Variant of Uncertain Significance.